The following is an entry in ClinVar:

ClinVar aggregate classification (germline): Uncertain significance (1 of 4 stars; one submission).

Allele frequency attached by ClinVar (database versions not stated): TOPMed 0.00001; gnomAD exomes 0.00002.
gnomAD v4.1: 32 of 1,614,112 alleles (0.002%); highest among the groups gnomAD compares: Non-Finnish European, 0.0025%; no homozygotes.

Submission:

Labcorp Genetics (formerly Invitae), Labcorp
Classification: Uncertain significance. Last evaluated: 2024-06-19. Review status: criteria provided, single submitter. Criteria: Invitae Variant Classification Sherloc (09022015). Collection method: clinical testing. Allele origin: germline.
Comment: This sequence change replaces serine, which is neutral and polar, with leucine, which is neutral and non-polar, at codon 1044 of the LTBP2 protein (p.Ser1044Leu). This variant is present in population databases (no rsID available, gnomAD 0.004%). This variant has not been reported in the literature in individuals affected with LTBP2-related conditions. ClinVar contains an entry for this variant (Variation ID: 1953087). Algorithms developed to predict the effect of missense changes on protein structure and function output the following: SIFT: "Not Available"; PolyPhen-2: "Benign"; Align-GVGD: "Not Available". The leucine amino acid residue is found in multiple mammalian species, which suggests that this missense change does not adversely affect protein function. In summary, the available evidence is currently insufficient to determine the role of this variant in disease. Therefore, it has been classified as a Variant of Uncertain Significance.

NM_000428.3(LTBP2):c.3131C>T (p.Ser1044Leu)

Gene: LTBP2 (latent transforming growth factor beta binding protein 2; minus strand). Cytogenetic location: 14q24.3.
Variant type: single nucleotide variant.
Coding change: c.3131C>T on transcript NM_000428.3 (MANE Select); coding-DNA position 3131, C replaced by T.
Protein change: p.Ser1044Leu; replaces serine 1044 with leucine.
Molecular consequence: missense variant.
Genome position (GRCh38, 1-based): chr14:74,510,111, G>A on the plus strand (C>T on the coding strand, the complement: LTBP2 is on the minus strand). VCF-style: chr14-74510111-G-A. GRCh37 (hg19) VCF-style: chr14-74976814-G-A.
Other names: short protein forms S1044L.
Identifiers: ClinVar variation 1953087 (VCV001953087.3), dbSNP rs1343693948, ClinGen allele CA390389724.